The following is an entry in ClinVar:

NM_000051.4(ATM):c.4944_4946del (p.Val1649del)

Gene: ATM (ATM serine/threonine kinase; plus strand). Cytogenetic location: 11q22.3.
Variant type: Deletion.
Coding change: c.4944_4946del on transcript NM_000051.4 (MANE Select); coding-DNA positions 4944 to 4946, 3 bases deleted (TGT; older notation c.4944_4946delTGT).
Protein change: p.Val1649del; deletes valine 1649.
Molecular consequence: inframe deletion.
Genome position (GRCh38, 1-based): chr11:108,297,321-108,297,323, TGT deleted; deleting any 3 consecutive bases within chr11:108,297,319-108,297,323 gives the same sequence; the c. name uses the placement nearest the transcript's 3' end. VCF-style (leftmost placement, unchanged base first): chr11-108297318-AGTT-A. GRCh37 (hg19) VCF-style: chr11-108168045-AGTT-A.
Other names: c.4944_4946del, p.Val1649del (NM_001351834.2); short protein forms V1649del.
Identifiers: ClinVar variation 1064096 (VCV001064096.8), dbSNP rs2135862163, ClinGen allele CA2499220648.
Genomic context (GRCh38, chr11:108,297,318, plus strand): 5'-TAAACTAATTTTTAAAAAATTATTTCTAGATAATCCGCAAGATGGGATTATGGTGAAACT[AGTT>A]GTCAATTTGTTGCAGTTATCCAAGATGGCAATAAACCACACTGGTGAAAAAGAAGTTCTA-3'

ClinVar aggregate classification (germline): Uncertain significance. Review status: criteria provided, multiple submitters, no conflicts (2 of 4 stars). 2 submissions from 2 submitters: Uncertain significance (2). Last evaluated 2021-12-27.

Conditions:
Hereditary cancer-predisposing syndrome. Also called: Tumor predisposition; Neoplastic Syndromes, Hereditary; Hereditary Cancer Syndrome; Hereditary neoplastic syndrome. Identifiers: Orphanet 140162, MedGen C0027672, MeSH D009386, MONDO:0015356.
Ataxia-telangiectasia syndrome (AT). Also called: ATAXIA-TELANGIECTASIA, FRESNO VARIANT; Ataxia-telangiectasia, complementation group D; AT, COMPLEMENTATION GROUP C; Ataxia-telangiectasia; Ataxia-telangiectasia, complementation group E; Ataxia telangiectasia (A-T). Identifiers: Orphanet 100, MedGen C0004135, MONDO:0008840, OMIM 208900.

Submissions (2):

Color Diagnostics, LLC DBA Color Health
Classification: Uncertain significance for Hereditary cancer-predisposing syndrome. Last evaluated: 2021-12-27. Review status: criteria provided, single submitter. Criteria: ACMG Guidelines, 2015. Collection method: clinical testing. Allele origin: germline.
Comment: This variant is located in the ATM protein and results in an in-frame deletion of valine at position 1649. To our knowledge, functional studies have not been reported for this variant. This variant has not been reported in individuals affected with hereditary cancer in the literature. This variant has not been identified in the general population by the Genome Aggregation Database (gnomAD). The available evidence is insufficient to determine the role of this variant in disease conclusively. Therefore, this variant is classified as a Variant of Uncertain Significance.

Labcorp Genetics (formerly Invitae), Labcorp
Classification: Uncertain significance for Ataxia-telangiectasia syndrome. Last evaluated: 2021-08-27. Review status: criteria provided, single submitter. Criteria: Invitae Variant Classification Sherloc (09022015). Collection method: clinical testing. Allele origin: germline.
Comment: This variant, c.4944_4946del, results in the deletion of 1 amino acid(s) of the ATM protein (p.Val1649del), but otherwise preserves the integrity of the reading frame. This variant is not present in population databases (ExAC no frequency). This variant has not been reported in the literature in individuals affected with ATM-related conditions. Experimental studies and prediction algorithms are not available or were not evaluated, and the functional significance of this variant is currently unknown. In summary, the available evidence is currently insufficient to determine the role of this variant in disease. Therefore, it has been classified as a Variant of Uncertain Significance.